The following is an entry in ClinVar:

NM_001371928.1(AHDC1):c.3377A>G (p.Gln1126Arg)

Gene: AHDC1 (AT-hook DNA binding motif containing 1; minus strand). Cytogenetic location: 1p36.11.
Variant type: single nucleotide variant.
Coding change: c.3377A>G on transcript NM_001371928.1 (MANE Select); coding-DNA position 3377, A replaced by G.
Protein change: p.Gln1126Arg; replaces glutamine 1126 with arginine.
Molecular consequence: missense variant.
Genome position (GRCh38, 1-based): chr1:27,548,739, T>C on the plus strand (A>G on the coding strand, the complement: AHDC1 is on the minus strand). VCF-style: chr1-27548739-T-C. GRCh37 (hg19) VCF-style: chr1-27875250-T-C.
Other names: c.3377A>G, p.Gln1126Arg (NM_001029882.3); short protein forms Q1126R.
Identifiers: ClinVar variation 2121112 (VCV002121112.4), dbSNP rs2521871408, ClinGen allele CA339227080.

ClinVar aggregate classification (germline): Uncertain significance (1 of 4 stars; one submission).

Allele frequency attached by ClinVar (database versions not stated): gnomAD exomes below 0.00001.
gnomAD v4.1: 1 of 1,613,250 alleles (0.000062%); highest among the groups gnomAD compares: Non-Finnish European, 0.000085%; no homozygotes.

Submission:

Labcorp Genetics (formerly Invitae), Labcorp
Classification: Uncertain significance. Last evaluated: 2024-06-11. Review status: criteria provided, single submitter. Criteria: Invitae Variant Classification Sherloc (09022015). Collection method: clinical testing. Allele origin: germline.
Comment: This sequence change replaces glutamine, which is neutral and polar, with arginine, which is basic and polar, at codon 1126 of the AHDC1 protein (p.Gln1126Arg). This variant is not present in population databases (gnomAD no frequency). This variant has not been reported in the literature in individuals affected with AHDC1-related conditions. ClinVar contains an entry for this variant (Variation ID: 2121112). An algorithm developed to predict the effect of missense changes on protein structure and function (PolyPhen-2) suggests that this variant is likely to be tolerated. In summary, the available evidence is currently insufficient to determine the role of this variant in disease. Therefore, it has been classified as a Variant of Uncertain Significance.